The following is an entry in ClinVar:

ClinVar aggregate classification (germline): Uncertain significance. Review status: criteria provided, multiple submitters, no conflicts (2 of 4 stars). 4 submissions from 4 submitters: Uncertain significance (4). Last evaluated 2025-10-02.

Conditions:
Primary ciliary dyskinesia. Also called: Ciliary dyskinesia. Identifiers: Orphanet 244, MedGen C0008780, MONDO:0016575, HP:0012265.
Primary ciliary dyskinesia 15. Also called: CILIARY DYSKINESIA, PRIMARY, 15, WITH OR WITHOUT SITUS INVERSUS. Identifiers: Orphanet 244, MedGen C3151137, MONDO:0013435, OMIM 613808.

Allele frequency attached by ClinVar (database versions not stated): ExAC 0.00002; gnomAD 0.00003; gnomAD exomes 0.00004.
gnomAD v4.1: 54 of 1,613,732 alleles (0.0033%); highest among the groups gnomAD compares: Admixed American, 0.028%; no homozygotes.

Submissions (4):

Ambry Genetics
Classification: Uncertain significance for Primary ciliary dyskinesia. Last evaluated: 2025-10-02. Review status: criteria provided, single submitter. Criteria: Ambry Variant Classification Scheme 2023. Collection method: clinical testing. Allele origin: germline.

Mayo Clinic Laboratories, Mayo Clinic
Classification: Uncertain significance. Last evaluated: 2025-03-05. Review status: criteria provided, single submitter. Criteria: ACMG Guidelines, 2015. Collection method: clinical testing. Allele origin: germline. Observed: 1 variant allele.
Comment: BP4_moderate

Fulgent Genetics
Classification: Uncertain significance for Primary ciliary dyskinesia 15. Last evaluated: 2024-05-17. Review status: criteria provided, single submitter. Criteria: ACMG Guidelines, 2015. Collection method: clinical testing. Allele origin: germline.

Labcorp Genetics (formerly Invitae), Labcorp
Classification: Uncertain significance for Primary ciliary dyskinesia. Last evaluated: 2022-03-13. Review status: criteria provided, single submitter. Criteria: Invitae Variant Classification Sherloc (09022015). Collection method: clinical testing. Allele origin: germline.
Comment: This sequence change replaces arginine, which is basic and polar, with cysteine, which is neutral and slightly polar, at codon 1088 of the CCDC40 protein (p.Arg1088Cys). This variant is present in population databases (rs766993149, gnomAD 0.03%). This variant has not been reported in the literature in individuals affected with CCDC40-related conditions. Algorithms developed to predict the effect of missense changes on protein structure and function are either unavailable or do not agree on the potential impact of this missense change (SIFT: "Deleterious"; PolyPhen-2: "Benign"; Align-GVGD: "Class C0"). In summary, the available evidence is currently insufficient to determine the role of this variant in disease. Therefore, it has been classified as a Variant of Uncertain Significance.

NM_017950.4(CCDC40):c.3262C>T (p.Arg1088Cys)

Gene: CCDC40 (coiled-coil domain 40 molecular ruler complex subunit; plus strand). Cytogenetic location: 17q25.3.
Variant type: single nucleotide variant.
Coding change: c.3262C>T on transcript NM_017950.4 (MANE Select); coding-DNA position 3262, C replaced by T.
Protein change: p.Arg1088Cys; replaces arginine 1088 with cysteine.
Molecular consequence: missense variant.
Genome position (GRCh38, 1-based): chr17:80,099,608, C>T. VCF-style: chr17-80099608-C-T. GRCh37 (hg19) VCF-style: chr17-78073407-C-T.
Other names: p.Arg1088Cys; short protein forms R1088C.
Identifiers: ClinVar variation 1372039 (VCV001372039.6), dbSNP rs766993149, ClinGen allele CA8814686.